The following is an entry in ClinVar:

NM_145166.4(ZBTB47):c.1883-7C>T

Gene: ZBTB47 (zinc finger and BTB domain containing 47; plus strand). Cytogenetic location: 3p22.1.
Variant type: single nucleotide variant.
Coding change: c.1883-7C>T on transcript NM_145166.4 (MANE Select); 7 bases into the intron before coding-DNA position 1883, C replaced by T.
Molecular consequence: intron variant.
Genome position (GRCh38, 1-based): chr3:42,664,230, C>T. VCF-style: chr3-42664230-C-T. GRCh37 (hg19) VCF-style: chr3-42705722-C-T.
Other names: c.1967-7C>T (NM_001410746.1).
Identifiers: ClinVar variation 4534772 (VCV004534772.6).

ClinVar aggregate classification (germline): Uncertain significance (1 of 4 stars; one submission).

Submission:

CeGaT Center for Human Genetics Tuebingen
Classification: Uncertain significance. Last evaluated: 2025-11-01. Review status: criteria provided, single submitter. Criteria: CeGaT Center For Human Genetics Tuebingen Variant Classification Criteria Version 2. Collection method: clinical testing. Allele origin: germline. Affected: yes. Observed: 1 variant allele.
Comment: ZBTB47: PM2, BP4